The following is an entry in ClinVar:

NM_021035.3(ZNFX1):c.617A>G (p.His206Arg)

Gene: ZNFX1 (zinc finger NFX1-type containing 1; minus strand). Cytogenetic location: 20q13.13.
Variant type: single nucleotide variant.
Coding change: c.617A>G on transcript NM_021035.3 (MANE Select); coding-DNA position 617, A replaced by G.
Protein change: p.His206Arg; replaces histidine 206 with arginine.
Molecular consequence: missense variant.
Genome position (GRCh38, 1-based): chr20:49,271,195, T>C on the plus strand (A>G on the coding strand, the complement: ZNFX1 is on the minus strand). VCF-style: chr20-49271195-T-C. GRCh37 (hg19) VCF-style: chr20-47887732-T-C.
Other names: short protein forms H206R.
Identifiers: ClinVar variation 5006385 (VCV005006385.2).
Genomic context (GRCh38, chr20:49,271,195, plus strand): 5'-ACCACATAAGCAGGCAGGCAGACTTTGAGAAATTTGGAGTTTTTCAATATGCCCAGTACA[T>C]GGAGAACACTCTGGCGATCCATTTTGGAGCTACAAGCCTTCCGAAGAACCTGACAGATGA-3'
Protein context (NP_066363.1, residues 196-216): SSKMDRQSVL[His206Arg]VLGILKNSKF

ClinVar aggregate classification (germline): Uncertain significance (1 of 4 stars; one submission).

Conditions:
Immunodeficiency 91 and hyperinflammation. Identifiers: MedGen C5562073, MONDO:0030491, OMIM 619644.

gnomAD v4.1: 8 of 1,614,114 alleles (0.0005%); highest among the groups gnomAD compares: South Asian, 0.0022%; no homozygotes.

Submission:

Juno Genomics, Hangzhou Juno Genomics, Inc
Classification: Uncertain significance for Immunodeficiency 91 and hyperinflammation. Review status: criteria provided, single submitter. Criteria: ACMG Guidelines, 2015. Collection method: clinical testing. Allele origin: germline.
Comment: Absent from controls (or at extremely low frequency if recessive) in Genome Aggregation Database.;Missense variant in a gene that has a low rate of benign missense variation.